The following is an entry in ClinVar:

ClinVar aggregate classification (germline): Uncertain significance (1 of 4 stars; one submission).

Conditions:
SYK-related disorder. Also called: SYK-related condition.

Submission:

PreventionGenetics, part of Exact Sciences
Classification: Uncertain significance for SYK-related condition. Last evaluated: 2026-03-12. Review status: criteria provided, single submitter. Criteria: ACMG Guidelines, 2015. Collection method: clinical testing. Allele origin: germline.
Comment: The SYK c.212A>T variant is predicted to result in the amino acid substitution p.Asn71Ile. To our knowledge, this variant has not been reported in the literature. This variant is reported in 0.029% of alleles in individuals of European (Non-Finnish) descent in gnomAD, which may be too common to be causative. Although we suspect that this variant may be benign, at this time, the clinical significance of this variant is uncertain due to the absence of conclusive functional and genetic evidence.

NM_003177.7(SYK):c.212A>T (p.Asn71Ile)

Gene: SYK (spleen associated tyrosine kinase; plus strand). Cytogenetic location: 9q22.2.
Variant type: single nucleotide variant.
Coding change: c.212A>T on transcript NM_003177.7 (MANE Select); coding-DNA position 212, A replaced by T.
Protein change: p.Asn71Ile; replaces asparagine 71 with isoleucine.
Molecular consequence: missense variant.
Genome position (GRCh38, 1-based): chr9:90,844,110, A>T. VCF-style: chr9-90844110-A-T. GRCh37 (hg19) VCF-style: chr9-93606392-A-T.
Other names: c.212A>T, p.Asn71Ile (NM_001135052.4, NM_001174167.3, NM_001174168.3); short protein forms N71I.
Identifiers: ClinVar variation 4982159 (VCV004982159.1).